The following is an entry in ClinVar:

ClinVar aggregate classification (germline): Likely benign. Review status: reviewed by expert panel (3 of 4 stars). 6 submissions from 6 submitters: Likely benign (1). 5 of the submissions do not count toward it. Last evaluated 2024-08-07.

Conditions:
RYR1-related myopathy. Identifiers: Orphanet 98742, MedGen CN305348, MONDO:0100150.
RYR1-related disorder. Also called: RYR1-related condition; RYR1-related disorders. Identifiers: MedGen CN239331.
Malignant hyperthermia, susceptibility to, 1 (MHS1). Also called: RYR1-Related Malignant Hyperthermia Susceptibility; Anesthesia related hyperthermia; Malignant hyperpyrexia; Fulminating hyperpyrexia; Pharmacogenic myopathy; Malignant hyperthermia suceptibility 1. Identifiers: Orphanet 423, MedGen C2930980, MONDO:0007783, OMIM 145600.

Allele frequency attached by ClinVar (database versions not stated): TOPMed 0.00008; ESP Exome Variant Server 0.00016; 1000 Genomes Project 30x 0.00062; 1000 Genomes Project 0.00080; gnomAD exomes 0.00111 and 0.00269; gnomAD 0.00201 and 0.00211; ExAC 0.00204.

Submissions (6):

ClinGen Congenital Myopathies Variant Curation Expert Panel, ClinGen
Classification: Likely benign for RYR1-related myopathy. Last evaluated: 2024-08-07. Review status: reviewed by expert panel. Criteria: ClinGen CongenMyopathy ACMG Specifications RYR1 AR V1.0.0. Collection method: curation. Allele origin: germline. Inheritance: Autosomal unknown.
Comment: The c.985-11del (NM_000540.3(RYR1):c.958-11del) variant in RYR1 is an intronic variant, located in intron 10 and 11 bases upstream of exon 11. The filtering allele frequency (the lower threshold of the 95% CI of 1684/64032 with 32 homozygous observations) of the c.958-11del variant in RYR1 is 0.0001110 for European (non-Finnish) chromosomes by gnomAD v4.1, which is higher than the ClinGen Congenital Myopathies VCEP threshold (≥0.0000006) for BS1, and therefore meets this criterion (BS1). The computational splicing predictor SpliceAI gives a score of 0.05 for acceptor gain, suggesting that the variant has no impact on splicing. In addition, it occurs at a nucleotide that is not conserved as shown by UCSC genome browser (BP4/BP7). In summary, this variant meets the criteria to be classified as likely benign for RYR1-related myopathies, based on the ACMG/AMP criteria applied, as specified by the ClinGen Congenital Myopathies VCEP: BS1, BP4, BP7 (Congenital Myopathies VCEP Specifications Version 1; 8/7/2024).

Labcorp Genetics (formerly Invitae), Labcorp
Classification: Benign for RYR1-related disorder. Last evaluated: 2025-12-02. Review status: criteria provided, single submitter. Criteria: Invitae Variant Classification Sherloc (09022015). Collection method: clinical testing. Allele origin: germline. Not counted in ClinVar's aggregate classification.

Blueprint Genetics
Classification: Likely benign. Last evaluated: 2024-11-25. Review status: criteria provided, single submitter. Criteria: ACMG Guidelines, 2015. Collection method: clinical testing. Allele origin: germline. Not counted in ClinVar's aggregate classification.

All of Us Research Program, National Institutes of Health
Classification: Benign for Malignant hyperthermia, susceptibility to, 1. Last evaluated: 2024-01-11. Review status: criteria provided, single submitter. Criteria: ACMG Guidelines, 2015. Collection method: clinical testing. Allele origin: germline. Inheritance: Autosomal dominant inheritance. Observed: 38 variant alleles, 38 heterozygotes. Not counted in ClinVar's aggregate classification.
Comment: This study involves interpretation of variants in research participants for the purpose of population health screening. Participant phenotype was not available at the time of variant classification. Additional details can be found in publication PMID: 35346344, PMCID: PMC8962531

Color Diagnostics, LLC DBA Color Health
Classification: Benign for Malignant hyperthermia, susceptibility to, 1. Last evaluated: 2022-11-06. Review status: criteria provided, single submitter. Criteria: ACMG Guidelines, 2015. Collection method: clinical testing. Allele origin: germline. Not counted in ClinVar's aggregate classification.

PreventionGenetics, part of Exact Sciences
Classification: Likely benign. Review status: criteria provided, single submitter. Criteria: ACMG Guidelines, 2015. Collection method: clinical testing. Allele origin: germline. Not counted in ClinVar's aggregate classification.

NM_000540.3(RYR1):c.958-11del

Gene: RYR1 (ryanodine receptor 1; plus strand). Cytogenetic location: 19q13.2.
Variant type: Deletion.
Coding change: c.958-11del on transcript NM_000540.3 (MANE Select); 11 bases into the intron before coding-DNA position 958, one base deleted (T; older notation c.958-11delT).
Molecular consequence: intron variant.
Genome position (GRCh38, 1-based): chr19:38,448,638, T deleted. VCF-style (leftmost placement, unchanged base first): chr19-38448637-CT-C. GRCh37 (hg19) VCF-style: chr19-38939277-CT-C.
Other names: c.958-11del (NM_001042723.2); c.958-11delT (NM_000540.2).
Identifiers: ClinVar variation 256586 (VCV000256586.18), dbSNP rs537751969, ClinGen allele CA073846.